The following is an entry in ClinVar:

ClinVar aggregate classification (germline): Uncertain significance (1 of 4 stars; one submission).

Conditions:
Inborn genetic diseases. Identifiers: MedGen C0950123, MeSH D030342.

Submission:

Ambry Genetics
Classification: Uncertain significance for Inborn genetic diseases. Last evaluated: 2024-11-22. Review status: criteria provided, single submitter. Criteria: Ambry Variant Classification Scheme 2023. Collection method: clinical testing. Allele origin: germline.
Comment: The p.P445S variant (also known as c.1333C>T), located in coding exon 6 of the SH2B3 gene, results from a C to T substitution at nucleotide position 1333. The proline at codon 445 is replaced by serine, an amino acid with similar properties. This amino acid position is conserved. In addition, the in silico prediction for this alteration is inconclusive. Based on the available evidence, the clinical significance of this variant remains unclear.

NM_005475.3(SH2B3):c.1333C>T (p.Pro445Ser)

Gene: SH2B3 (SH2B adaptor protein 3; plus strand). Cytogenetic location: 12q24.12.
Variant type: single nucleotide variant.
Coding change: c.1333C>T on transcript NM_005475.3 (MANE Select); coding-DNA position 1333, C replaced by T.
Protein change: p.Pro445Ser; replaces proline 445 with serine.
Molecular consequence: missense variant.
Genome position (GRCh38, 1-based): chr12:111,447,752, C>T. VCF-style: chr12-111447752-C-T. GRCh37 (hg19) VCF-style: chr12-111885556-C-T.
Other names: c.727C>T, p.Pro243Ser (NM_001291424.1); short protein forms P243S, P445S.
Identifiers: ClinVar variation 3440770 (VCV003440770.1).